The following is an entry in ClinVar:

ClinVar aggregate classification (germline): Uncertain significance. Review status: criteria provided, multiple submitters, no conflicts (2 of 4 stars). 8 submissions from 8 submitters: Uncertain significance (6). 2 of the submissions do not count toward it. Last evaluated 2026-02-17.

Conditions:
CFTR-related disorder (CFTR-RD). Also called: CFTR-related disorders; CFTR-related condition. Identifiers: MedGen C5924204, MONDO:7770004.
Cystic fibrosis (CF). Also called: MUCOVISCIDOSIS. Identifiers: Orphanet 586, MedGen C0010674, MONDO:0009061, OMIM 219700. Disease mechanism: loss of function.

Allele frequency attached by ClinVar (database versions not stated): gnomAD 0.00001; TOPMed 0.00001; gnomAD exomes 0.00002 and 0.00001; ExAC 0.00003.
gnomAD v4.1: 10 of 1,470,952 alleles (0.00068%); highest among the groups gnomAD compares: African/African-American, 0.012%; no homozygotes.

Submissions (8):

Ambry Genetics
Classification: Uncertain significance for Cystic fibrosis. Last evaluated: 2026-02-17. Review status: criteria provided, single submitter. Criteria: Ambry Variant Classification Scheme 2023. Collection method: clinical testing. Allele origin: germline.
Comment: The c.273+4A>G intronic variant results from an A to G substitution 4 nucleotides after coding exon 3 in the CFTR gene. This nucleotide position is highly conserved in available vertebrate species. In silico splice site analysis predicts that this alteration will weaken the native splice donor site. Based on the available evidence, the clinical significance of this variant remains unclear.

Women's Health and Genetics/Laboratory Corporation of America, LabCorp
Classification: Uncertain significance. Last evaluated: 2025-12-01. Review status: criteria provided, single submitter. Criteria: LabCorp Variant Classification Summary - May 2015. Collection method: clinical testing. Allele origin: germline.
Comment: Variant summary: CFTR c.273+4A>G alters a conserved nucleotide located close to a canonical splice site and therefore could affect mRNA splicing, leading to a significantly altered protein sequence. Several computational tools predict a significant impact on normal splicing: Three predict the variant weakens a 5' donor site. One predict the variant creates a 3' acceptor site. One predict the variant no significant impact on splicing. However, these predictions have yet to be confirmed by functional studies. The variant allele was found at a frequency of 2e-05 in 250488 control chromosomes. The available data on variant occurrences in the general population are insufficient to allow any conclusion about variant significance. c.273+4A>G has been observed in at least two individuals. One with a suspected diagnosis of Cystic Fibrosis and a non-informative genotype (second allele not specified, Ghanem_1994 and Stewart_2016, cited in Claustres_2000). Recently, in a second individual with pancreatic insufficiency and intermediate sweat chloride levels in compound heterozygosity with p.F508del (example, Mayer_2021). These data do not allow any conclusion about variant significance. To our knowledge, no experimental evidence demonstrating an impact on protein function has been reported. The following publications have been ascertained in the context of this evaluation (PMID: 10923036, 7522211, 33807078, 34996830, 38895864, 25880441, 26656651, 37745463, 25525159). ClinVar contains an entry for this variant (Variation ID: 7199). Based on the evidence outlined above, the variant was classified as uncertain significance.

Genome-Nilou Lab
Classification: Uncertain significance for Cystic fibrosis. Last evaluated: 2021-09-05. Review status: criteria provided, single submitter. Criteria: ACMG Guidelines, 2015. Collection method: clinical testing. Allele origin: germline. Affected: no.

GeneDx
Classification: Uncertain significance. Last evaluated: 2020-09-10. Review status: criteria provided, single submitter. Criteria: GeneDx Variant Classification Process June 2021. Collection method: clinical testing. Allele origin: germline. Affected: yes.
Comment: In silico analysis supports a deleterious effect on splicing; Observed in an individual with mild cystic fibrosis without a second identified CFTR variant (Ghanem 1994); Also known as c.405+4A>G; This variant is associated with the following publications: (PMID: 26656651, 10923036, 25525159, 7522211)

Johns Hopkins Genomics, Johns Hopkins University
Classification: Uncertain significance for Cystic fibrosis. Last evaluated: 2020-02-19. Review status: criteria provided, single submitter. Criteria: ACMG Guidelines, 2015. Collection method: clinical testing. Allele origin: germline.
Comment: This CFTR variant has been previously identified in patients with features of cystic fibrosis. It (rs397508734) is rare (<0.1%) in a large population dataset ( gnomAD: 5/281884 total alleles; 0.002%; no homozygotes). Bioinformatic analysis predicts that this variant may affect normal exon 3 splicing, although this has not been confirmed experimentally to our knowledge. We consider the clinical significance of c.273+4A>G to be uncertain at this time.

ARUP Laboratories, Molecular Genetics and Genomics, ARUP Laboratories
Classification: Uncertain significance. Last evaluated: 2019-08-01. Review status: criteria provided, single submitter. Criteria: ARUP Molecular Germline Variant Investigation Process. Collection method: clinical testing. Allele origin: germline.
Comment: The CFTR c.273+4A>G variant (rs387906374), also known as 405+4A>G for traditional nomenclature, is reported in the literature in an individual with mild CF; however, a second variant was not identified in this individual (Ghanem 1994). This variant is also reported in the ClinVar database (Variation ID: 7199). Additionally, a nearby variant (c.273+3A>C) is considered to be CF-causing when found with an additional pathogenic variant (CFTR2 database). The c.273+4A>G variant is found in the general population with a low overall allele frequency of 0.002% (6/281884 alleles) in the Genome Aggregation Database. This is an intronic variant in a highly conserved nucleotide, and computational analyses (Alamut v.2.11) predict that this variant may impact splicing by weakening the nearby canonical donor splice site. However, given the lack of clinical and functional data, the significance of the c.273+4A>G variant is uncertain at this time. REFERENCES CFTR2 database: Ghanem N et al. Identification of eight mutations and three sequence variations in the cystic fibrosis transmembrane conductance regulator (CFTR) gene. Genomics. 1994 May 15;21(2):434-6.

Natera, Inc.
Classification: Uncertain significance for CFTR-related disorders. Last evaluated: 2018-07-24. Review status: no assertion criteria provided. Collection method: clinical testing. Allele origin: germline. Not counted in ClinVar's aggregate classification.

OMIM
Classification: Pathogenic for CYSTIC FIBROSIS. Last evaluated: 1994-05-15. Review status: no assertion criteria provided. Collection method: literature only. Allele origin: germline. Not counted in ClinVar's aggregate classification.

Literature cited by the submitters: PubMed 7522211 (cited by 4 submitters); PubMed 10923036 (cited by Women's Health and Genetics/Laboratory Corporation of America, LabCorp and Johns Hopkins Genomics, Johns Hopkins University); PubMed 25525159 (cited by Women's Health and Genetics/Laboratory Corporation of America, LabCorp); PubMed 25880441 (cited by Women's Health and Genetics/Laboratory Corporation of America, LabCorp); PubMed 26656651 (cited by Women's Health and Genetics/Laboratory Corporation of America, LabCorp and Johns Hopkins Genomics, Johns Hopkins University); PubMed 34996830 (cited by Women's Health and Genetics/Laboratory Corporation of America, LabCorp); PubMed 33807078 (cited by Women's Health and Genetics/Laboratory Corporation of America, LabCorp); PubMed 38895864 (cited by Women's Health and Genetics/Laboratory Corporation of America, LabCorp); PubMed 37745463 (cited by Women's Health and Genetics/Laboratory Corporation of America, LabCorp).

NM_000492.4(CFTR):c.273+4A>G

Gene: CFTR (CF transmembrane conductance regulator; plus strand). Cytogenetic location: 7q31.2.
Variant type: single nucleotide variant.
Coding change: c.273+4A>G on transcript NM_000492.4 (MANE Select); 4 bases into the intron after coding-DNA position 273, A replaced by G.
Molecular consequence: intron variant.
Genome position (GRCh38, 1-based): chr7:117,509,146, A>G. VCF-style: chr7-117509146-A-G. GRCh37 (hg19) VCF-style: chr7-117149200-A-G.
Other names: IVS3, A-G, +4.
Identifiers: ClinVar variation 7199 (VCV000007199.19), dbSNP rs387906374, ClinGen allele CA325584.